The following is an entry in ClinVar:

ClinVar aggregate classification (germline): Likely benign. Review status: criteria provided, multiple submitters, no conflicts (2 of 4 stars). 2 submissions from 2 submitters: Likely benign (2). Last evaluated 2025-01-16.

Conditions:
Familial cancer of breast. Also called: hereditary breast carcinoma; Hereditary breast cancer; BREAST CANCER, FAMILIAL. Identifiers: Orphanet 227535, MedGen C0346153, MONDO:0016419, OMIM 114480. Disease mechanism: loss of function.

gnomAD v4.1: 1 of 1,614,100 alleles (0.000062%); highest among the groups gnomAD compares: Non-Finnish European, 0.000085%; no homozygotes.

Submissions (2):

Myriad Genetics, Inc.
Classification: Likely benign for Familial cancer of breast. Last evaluated: 2025-01-16. Review status: criteria provided, single submitter. Criteria: Myriad Autosomal Dominant, Autosomal Recessive and X-Linked Classification Criteria (2023). Collection method: clinical testing. Allele origin: unknown.
Comment: This variant is considered likely benign. This variant is intronic and is not expected to impact mRNA splicing.

GeneDx
Classification: Likely benign. Last evaluated: 2016-05-28. Review status: criteria provided, single submitter. Criteria: GeneDx Variant Classification (06012015). Collection method: clinical testing. Allele origin: germline. Affected: yes.
Comment: This variant is considered likely benign or benign based on one or more of the following criteria: it is a conservative change, it occurs at a poorly conserved position in the protein, it is predicted to be benign by multiple in silico algorithms, and/or has population frequency not consistent with disease.

NM_024675.4(PALB2):c.2587-16G>A

Gene: PALB2 (partner and localizer of BRCA2; minus strand). Cytogenetic location: 16p12.2.
Variant type: single nucleotide variant.
Coding change: c.2587-16G>A on transcript NM_024675.4 (MANE Select); 16 bases into the intron before coding-DNA position 2587, G replaced by A.
Molecular consequence: intron variant.
Genome position (GRCh38, 1-based): chr16:23,626,413, C>T on the plus strand (G>A on the coding strand, the complement: PALB2 is on the minus strand). VCF-style: chr16-23626413-C-T. GRCh37 (hg19) VCF-style: chr16-23637734-C-T.
Identifiers: ClinVar variation 386651 (VCV000386651.2), dbSNP rs1057522563, ClinGen allele CA16606997.
Genomic context (GRCh38, chr16:23,626,413, plus strand): 5'-CCAAAACATGGCACTCACATCTACGGAACAGGAACCTGAAGGATTCTGACACAATGGCAA[C>T]AGTTCTGTTAAAGTGGCACTCGAGTGCTGTTTTATGCAAAGCATAAGTATGCAAAGTGAT-3'